The following is an entry in ClinVar:

NM_001349253.2(SCN11A):c.403A>G (p.Ile135Val)

Gene: SCN11A (sodium voltage-gated channel alpha subunit 11; minus strand). Cytogenetic location: 3p22.2.
Variant type: single nucleotide variant.
Coding change: c.403A>G on transcript NM_001349253.2 (MANE Select); coding-DNA position 403, A replaced by G.
Protein change: p.Ile135Val; replaces isoleucine 135 with valine.
Molecular consequence: missense variant.
Genome position (GRCh38, 1-based): chr3:38,945,496, T>C on the plus strand (A>G on the coding strand, the complement: SCN11A is on the minus strand). VCF-style: chr3-38945496-T-C. GRCh37 (hg19) VCF-style: chr3-38986987-T-C.
Other names: c.403A>G, p.Ile135Val (NM_014139.3); short protein forms I135V.
Identifiers: ClinVar variation 1980351 (VCV001980351.4), dbSNP rs755036016, ClinGen allele CA2322625.

ClinVar aggregate classification (germline): Uncertain significance (1 of 4 stars; one submission).

Conditions:
Hereditary sensory and autonomic neuropathy type 7. Also called: HSAN VII; Neuropathy, hereditary sensory and autonomic, type VII. Identifiers: Orphanet 391397, MedGen C3809882, MONDO:0014244, OMIM 615548.
Familial episodic pain syndrome with predominantly lower limb involvement. Also called: Episodic pain syndrome, familial, 3. Identifiers: Orphanet 391384, Orphanet 391392, MedGen C3809899, MONDO:0014247, OMIM 615552.

Allele frequency attached by ClinVar (database versions not stated): gnomAD exomes below 0.00001; TOPMed below 0.00001; ExAC 0.00001.
gnomAD v4.1: 6 of 1,567,606 alleles (0.00038%); highest among the groups gnomAD compares: South Asian, 0.0047%; no homozygotes.

Submission:

Labcorp Genetics (formerly Invitae), Labcorp
Classification: Uncertain significance for Familial episodic pain syndrome with predominantly lower limb involvement; Hereditary sensory and autonomic neuropathy type 7. Last evaluated: 2022-02-21. Review status: criteria provided, single submitter. Criteria: Invitae Variant Classification Sherloc (09022015). Collection method: clinical testing. Allele origin: germline.
Comment: This sequence change replaces isoleucine, which is neutral and non-polar, with valine, which is neutral and non-polar, at codon 135 of the SCN11A protein (p.Ile135Val). In summary, the available evidence is currently insufficient to determine the role of this variant in disease. Therefore, it has been classified as a Variant of Uncertain Significance. Algorithms developed to predict the effect of missense changes on protein structure and function (SIFT, PolyPhen-2, Align-GVGD) all suggest that this variant is likely to be disruptive. This variant has not been reported in the literature in individuals affected with SCN11A-related conditions. This variant is present in population databases (rs755036016, gnomAD 0.004%).